The following is an entry in ClinVar:

ClinVar aggregate classification (germline): Uncertain significance. Review status: criteria provided, multiple submitters, no conflicts (2 of 4 stars). 6 submissions from 6 submitters: Uncertain significance (5). 1 of the submissions does not count toward it. Last evaluated 2025-08-09.

Conditions:
Methylmalonic aciduria due to methylmalonyl-CoA mutase deficiency (MAMM). Also called: Methylmalonic aciduria, mut type. Identifiers: Orphanet 27, MedGen C1855114, MONDO:0009612, OMIM 251000.
Methylmalonic aciduria due to complete methylmalonyl-CoA mutase deficiency.

Allele frequency attached by ClinVar (database versions not stated): TOPMed 0.00011; 1000 Genomes Project 30x 0.00016; gnomAD 0.00014 and 0.00015; gnomAD exomes 0.00007 and 0.00009; ExAC 0.00008; 1000 Genomes Project 0.00020.

Submissions (6):

Dasa
Classification: Uncertain significance. Last evaluated: 2025-08-09. Review status: criteria provided, single submitter. Criteria: DASA Assertion Criteria. Collection method: clinical testing. Allele origin: germline.
Comment: NM_000255.4(MMUT):c.1865T>C (p.Met622Thr) is a missense variant that results in the substitution of methionine with threonine. The affected residue or protein region has prior evidence supporting clinical relevance. This variant is rare in population databases. Computational prediction algorithms are consistent with a deleterious effect. The currently available literature and clinical evidence are not sufficient to establish a definitive association between this variant and the reported condition. Therefore, this variant is classified as a variant of uncertain significance.

Ambry Genetics
Classification: Uncertain significance. Last evaluated: 2025-07-15. Review status: criteria provided, single submitter. Criteria: Ambry Variant Classification Scheme 2023. Collection method: clinical testing. Allele origin: germline.

Labcorp Genetics (formerly Invitae), Labcorp
Classification: Uncertain significance. Last evaluated: 2022-08-09. Review status: criteria provided, single submitter. Criteria: Invitae Variant Classification Sherloc (09022015). Collection method: clinical testing. Allele origin: germline.
Comment: This sequence change replaces methionine, which is neutral and non-polar, with threonine, which is neutral and polar, at codon 622 of the MUT protein (p.Met622Thr). This variant is present in population databases (rs201536536, gnomAD 0.03%). This variant has not been reported in the literature in individuals affected with MUT-related conditions. ClinVar contains an entry for this variant (Variation ID: 566057). Algorithms developed to predict the effect of missense changes on protein structure and function (SIFT, PolyPhen-2, Align-GVGD) all suggest that this variant is likely to be disruptive. In summary, the available evidence is currently insufficient to determine the role of this variant in disease. Therefore, it has been classified as a Variant of Uncertain Significance.

Fulgent Genetics
Classification: Uncertain significance for Methylmalonic aciduria due to methylmalonyl-CoA mutase deficiency. Last evaluated: 2022-03-28. Review status: criteria provided, single submitter. Criteria: ACMG Guidelines, 2015. Collection method: clinical testing. Allele origin: unknown.

GeneDx
Classification: Uncertain significance. Last evaluated: 2019-09-09. Review status: criteria provided, single submitter. Criteria: GeneDx Variant Classification Process June 2021. Collection method: clinical testing. Allele origin: germline. Affected: yes.
Comment: The majority of missense variants in this gene are considered pathogenic (Stenson et al., 2014); In silico analysis, which includes protein predictors and evolutionary conservation, supports a deleterious effect; Has not been previously published as pathogenic or benign to our knowledge

Natera, Inc.
Classification: Uncertain significance for Methylmalonic aciduria due to complete methylmalonyl-CoA mutase deficiency. Last evaluated: 2019-11-11. Review status: no assertion criteria provided. Collection method: clinical testing. Allele origin: germline. Not counted in ClinVar's aggregate classification.

NM_000255.4(MMUT):c.1865T>C (p.Met622Thr)

Gene: MMUT (methylmalonyl-CoA mutase; minus strand). Cytogenetic location: 6p12.3.
Variant type: single nucleotide variant.
Coding change: c.1865T>C on transcript NM_000255.4 (MANE Select); coding-DNA position 1865, T replaced by C.
Protein change: p.Met622Thr; replaces methionine 622 with threonine.
Molecular consequence: missense variant.
Genome position (GRCh38, 1-based): chr6:49,440,297, A>G on the plus strand (T>C on the coding strand, the complement: MMUT is on the minus strand). VCF-style: chr6-49440297-A-G. GRCh37 (hg19) VCF-style: chr6-49408010-A-G.
Other names: short protein forms M622T.
Identifiers: ClinVar variation 566057 (VCV000566057.13), dbSNP rs201536536, ClinGen allele CA3846721.